The following is an entry in ClinVar:

ClinVar aggregate classification (germline): Uncertain significance (0 of 4 stars; one submission).

Conditions:
Autism (AUTS). Also called: Autistic disorder of childhood onset; Autistic disorder. Identifiers: MedGen C0004352, MeSH D001321, MONDO:0005260, OMIM 209850, HP:0000717.

Submission:

Centre for Addiction & Mental Health
Classification: Uncertain significance for Autism. Review status: no assertion criteria provided. Collection method: research. Allele origin: biparental. Affected: yes. Observed: 1 homozygote. Segregation with disease observed.
Comment: Gene not previously associated with disease; independent supportng evidence needed

NM_006133.3(DAGLA):c.647C>G (p.Ser216Ter)

Gene: DAGLA (diacylglycerol lipase alpha; plus strand). Cytogenetic location: 11q12.2.
Variant type: single nucleotide variant.
Coding change: c.647C>G on transcript NM_006133.3 (MANE Select); coding-DNA position 647, C replaced by G.
Protein change: p.Ser216Ter; replaces serine 216 with a stop codon.
Molecular consequence: nonsense.
Genome position (GRCh38, 1-based): chr11:61,728,163, C>G. VCF-style: chr11-61728163-C-G. GRCh37 (hg19) VCF-style: chr11-61495635-C-G.
Other names: short protein forms S216*.
Identifiers: ClinVar variation 3338174 (VCV003338174.2).